The following is an entry in ClinVar:

NM_020822.3(KCNT1):c.453G>C (p.Gln151His)

Gene: KCNT1 (potassium sodium-activated channel subfamily T member 1; plus strand). Cytogenetic location: 9q34.3.
Variant type: single nucleotide variant.
Coding change: c.453G>C on transcript NM_020822.3 (MANE Select); coding-DNA position 453, G replaced by C.
Protein change: p.Gln151His; replaces glutamine 151 with histidine.
Molecular consequence: missense variant.
Genome position (GRCh38, 1-based): chr9:135,753,955, G>C. VCF-style: chr9-135753955-G-C. GRCh37 (hg19) VCF-style: chr9-138645801-G-C.
Other names: c.309G>C, p.Gln103His (NM_001272003.2); short protein forms Q103H, Q151H.
Identifiers: ClinVar variation 1327339 (VCV001327339.2), dbSNP rs1831337399, ClinGen allele CA375495777.

ClinVar aggregate classification (germline): Uncertain significance (1 of 4 stars; one submission).

Allele frequency attached by ClinVar (database versions not stated): gnomAD 0.00001.
gnomAD v4.1: 2 of 1,614,010 alleles (0.00012%); highest among the groups gnomAD compares: Non-Finnish European, 0.00017%; no homozygotes.

Submission:

GeneDx
Classification: Uncertain significance. Last evaluated: 2021-05-31. Review status: criteria provided, single submitter. Criteria: GeneDx Variant Classification Process June 2021. Collection method: clinical testing. Allele origin: germline. Affected: yes.
Comment: Not observed at significant frequency in large population cohorts (Lek et al., 2016); In silico analysis supports that this missense variant does not alter protein structure/function; Has not been previously published as pathogenic or benign to our knowledge; This variant is associated with the following publications: (PMID: 27535533)